The following is an entry in ClinVar:

ClinVar aggregate classification (germline): Likely benign. Review status: criteria provided, multiple submitters, no conflicts (2 of 4 stars). 6 submissions from 6 submitters: Likely benign (5). 1 of the submissions does not count toward it. Last evaluated 2026-05-27.

Conditions:
Gorlin syndrome. Also called: Nevoid Basal Cell Carcinoma Syndrome; Basal cell nevus syndrome. Identifiers: Orphanet 377, MedGen C0004779, MONDO:0007187.
PTCH1-related disorder. Also called: PTCH1-related disorders; PTCH1-related condition.
Hereditary cancer-predisposing syndrome. Also called: Tumor predisposition; Hereditary Cancer Syndrome; Hereditary neoplastic syndrome; Neoplastic Syndromes, Hereditary. Identifiers: Orphanet 140162, MedGen C0027672, MeSH D009386, MONDO:0015356.

Allele frequency attached by ClinVar (database versions not stated): gnomAD 0.00001; TOPMed 0.00002; ExAC 0.00004; gnomAD exomes 0.00007.
gnomAD v4.1: 119 of 1,613,436 alleles (0.0074%); highest among the groups gnomAD compares: Non-Finnish European, 0.0081%; 1 homozygote.

Submissions (6):

Women's Health and Genetics/Laboratory Corporation of America, LabCorp
Classification: Likely benign. Last evaluated: 2026-05-27. Review status: criteria provided, single submitter. Criteria: LabCorp Variant Classification Summary - May 2015. Collection method: clinical testing. Allele origin: germline.

Labcorp Genetics (formerly Invitae), Labcorp
Classification: Likely benign for Gorlin syndrome. Last evaluated: 2026-01-26. Review status: criteria provided, single submitter. Criteria: Invitae Variant Classification Sherloc (09022015). Collection method: clinical testing. Allele origin: germline.

Blueprint Genetics
Classification: Likely benign. Last evaluated: 2024-06-14. Review status: criteria provided, single submitter. Criteria: ACMG Guidelines, 2015. Collection method: clinical testing. Allele origin: germline.

Sema4
Classification: Likely benign for Hereditary cancer-predisposing syndrome. Last evaluated: 2021-06-17. Review status: criteria provided, single submitter. Criteria: Sema4 Curation Guidelines. Collection method: curation. Allele origin: germline.

Ambry Genetics
Classification: Likely benign for Hereditary cancer-predisposing syndrome. Last evaluated: 2018-11-08. Review status: criteria provided, single submitter. Criteria: Ambry Variant Classification Scheme 2023. Collection method: clinical testing. Allele origin: germline.

PreventionGenetics, part of Exact Sciences
Classification: Likely benign for PTCH1-related condition. Last evaluated: 2024-07-30. Review status: no assertion criteria provided. Collection method: clinical testing. Allele origin: germline. Not counted in ClinVar's aggregate classification.
Comment: This variant is classified as likely benign based on ACMG/AMP sequence variant interpretation guidelines (Richards et al. 2015 PMID: 25741868, with internal and published modifications).

NM_000264.5(PTCH1):c.4149G>A (p.Pro1383=)

Gene: PTCH1 (patched 1; minus strand). Cytogenetic location: 9q22.32.
Variant type: single nucleotide variant.
Coding change: c.4149G>A on transcript NM_000264.5 (MANE Select); coding-DNA position 4149, G replaced by A.
Protein change: p.Pro1383=; no amino-acid change (proline 1383 retained).
Molecular consequence: synonymous variant. On other transcripts: non-coding transcript variant (1).
Genome position (GRCh38, 1-based): chr9:95,447,107, C>T on the plus strand (G>A on the coding strand, the complement: PTCH1 is on the minus strand). VCF-style: chr9-95447107-C-T. GRCh37 (hg19) VCF-style: chr9-98209389-C-T.
Other names: c.3951G>A, p.Pro1317= (NM_001083602.3); c.4146G>A, p.Pro1382= (NM_001083603.3); c.3696G>A, p.Pro1232= (NM_001083604.3, NM_001083605.3, NM_001083606.3 and 1 more transcripts); c.3993G>A, p.Pro1331= (NM_001354918.2).
Identifiers: ClinVar variation 415473 (VCV000415473.20), dbSNP rs56230654, ClinGen allele CA5137940.